The following is an entry in ClinVar:

NM_000444.6(PHEX):c.1586+3_1586+6del

Gene: PHEX (phosphate regulating endopeptidase X-linked; plus strand). Cytogenetic location: Xp22.11.
Variant type: Microsatellite.
Coding change: c.1586+3_1586+6del on transcript NM_000444.6 (MANE Select); bases 3 to 6 of the intron after coding-DNA position 1586, 4 bases deleted (GAGT; older notation c.1586+3_1586+6delGAGT).
Molecular consequence: splice donor variant.
Genome position (GRCh38, 1-based): chrX:22,178,379-22,178,382, GAGT deleted; deleting any 4 consecutive bases within chrX:22,178,375-22,178,382 gives the same sequence; the c. name uses the placement nearest the transcript's 3' end. VCF-style (leftmost placement, unchanged base first): chrX-22178374-AGAGT-A. GRCh37 (hg19) VCF-style: chrX-22196491-AGAGT-A.
Other names: c.1586+3_1586+6del (NM_001282754.2).
Identifiers: ClinVar variation 281773 (VCV000281773.19), dbSNP rs886042234, ClinGen allele CA10603968.

ClinVar aggregate classification (germline): Conflicting classifications of pathogenicity. Review status: criteria provided, conflicting classifications (1 of 4 stars). 5 submissions from 5 submitters: Pathogenic (2); Likely pathogenic (2); Uncertain significance (1). Last evaluated 2024-03-28.

Conditions:
PHEX-related disorder. Also called: PHEX-related condition.
Familial X-linked hypophosphatemic vitamin D refractory rickets (XLHRD). Also called: X-Linked Hypophosphatemia; Hypophosphatemia, vitamin D-resistant rickets; Vitamin D-resistant rickets, X-linked; Hypophosphatemic Rickets, X-Linked Dominant; HYPOPHOSPHATEMIC VITAMIN D-RESISTANT RICKETS. Identifiers: Orphanet 89936, MedGen C0733682, MONDO:0010619, OMIM 307800.

Submissions (5):

Labcorp Genetics (formerly Invitae), Labcorp
Classification: Pathogenic. Last evaluated: 2024-03-28. Review status: criteria provided, single submitter. Criteria: Invitae Variant Classification Sherloc (09022015). Collection method: clinical testing. Allele origin: germline.
Comment: This sequence change falls in intron 14 of the PHEX gene. It does not directly change the encoded amino acid sequence of the PHEX protein. It affects a nucleotide within the consensus splice site. This variant is not present in population databases (gnomAD no frequency). This variant has been observed in individuals with hypophosphatemia (PMID: 9106524, 18625346; Invitae). ClinVar contains an entry for this variant (Variation ID: 281773). Variants that disrupt the consensus splice site are a relatively common cause of aberrant splicing (PMID: 17576681, 9536098). Algorithms developed to predict the effect of sequence changes on RNA splicing suggest that this variant may disrupt the consensus splice site. For these reasons, this variant has been classified as Pathogenic.

Blueprint Genetics
Classification: Likely pathogenic for PHEX-related disorders. Last evaluated: 2022-09-20. Review status: criteria provided, single submitter. Criteria: ACMG Guidelines, 2015. Collection method: clinical testing. Allele origin: germline. Affected: yes. Observed: 3 variant alleles.

Mendelics
Classification: Likely pathogenic for Familial X-linked hypophosphatemic vitamin D refractory rickets. Last evaluated: 2019-05-28. Review status: criteria provided, single submitter. Criteria: Mendelics Assertion Criteria 2017. Collection method: clinical testing. Allele origin: unknown.

Eurofins Ntd Llc (ga)
Classification: Uncertain significance. Last evaluated: 2015-07-28. Review status: criteria provided, single submitter. Criteria: EGL Classification Definitions 2015. Collection method: clinical testing. Allele origin: germline. Observed: 1 variant allele, 1 hemizygote.

Institute of Human Genetics Munich, TUM University Hospital
Classification: Pathogenic for Familial X-linked hypophosphatemic vitamin D refractory rickets. Last evaluated: 2013-11-06. Review status: criteria provided, single submitter. Criteria: Classification criteria August 2017. Collection method: clinical testing. Allele origin: germline. Inheritance: X-linked inheritance. Affected: yes. Observed: 1 heterozygote.

Literature cited by the submitters: PubMed 9106524 (cited by Labcorp Genetics (formerly Invitae), Labcorp and Eurofins Ntd Llc (ga)); PubMed 18625346 (cited by Labcorp Genetics (formerly Invitae), Labcorp); PubMed 17576681 (cited by Labcorp Genetics (formerly Invitae), Labcorp); PubMed 9536098 (cited by Labcorp Genetics (formerly Invitae), Labcorp).